The following is an entry in ClinVar:

NM_004100.5(EYA4):c.1320T>G (p.Asp440Glu)

Genes: EYA4 (EYA transcriptional coactivator and phosphatase 4; plus strand), TARID (TCF21 antisense RNA inducing promoter demethylation; minus strand). Cytogenetic location: 6q23.2.
Variant type: single nucleotide variant.
Coding change: c.1320T>G on transcript NM_004100.5 (MANE Select); coding-DNA position 1320, T replaced by G.
Protein change: p.Asp440Glu; replaces aspartic acid 440 with glutamic acid.
Molecular consequence: missense variant.
Genome position (GRCh38, 1-based): chr6:133,512,759, T>G. VCF-style: chr6-133512759-T-G. GRCh37 (hg19) VCF-style: chr6-133833897-T-G.
Other names: c.1320T>G (NM_004100.4); c.1158T>G, p.Asp386Glu (NM_001301012.2); c.1338T>G, p.Asp446Glu (NM_001301013.2); c.1251T>G, p.Asp417Glu (NM_001370458.1, NM_172103.4); c.1176T>G, p.Asp392Glu (NM_001370459.1); c.1320T>G, p.Asp440Glu (NM_172105.4); short protein forms D417E, D446E, D440E, D386E, D392E.
Identifiers: ClinVar variation 1374466 (VCV001374466.8), dbSNP rs1799267406, ClinGen allele CA365714719.

ClinVar aggregate classification (germline): Uncertain significance. Review status: criteria provided, multiple submitters, no conflicts (2 of 4 stars). 3 submissions from 3 submitters: Uncertain significance (3). Last evaluated 2025-05-30.

Conditions:
Cardiovascular phenotype. Identifiers: MedGen CN230736.
Dilated cardiomyopathy 1J (CMD1J). Also called: CARDIOMYOPATHY, DILATED, WITH SENSORINEURAL HEARING LOSS, AUTOSOMAL DOMINANT. Identifiers: Orphanet 217622, MedGen C1854368, MONDO:0011541, OMIM 605362.

Allele frequency attached by ClinVar (database versions not stated): TOPMed below 0.00001.

Submissions (3):

GeneDx
Classification: Uncertain significance. Last evaluated: 2025-05-30. Review status: criteria provided, single submitter. Criteria: GeneDx Variant Classification Process June 2021. Collection method: clinical testing. Allele origin: germline. Affected: yes.
Comment: Not observed at significant frequency in large population cohorts (gnomAD); In silico analysis supports that this missense variant has a deleterious effect on protein structure/function; Has not been previously published as pathogenic or benign to our knowledge

Ambry Genetics
Classification: Uncertain significance for Cardiovascular phenotype. Last evaluated: 2024-10-09. Review status: criteria provided, single submitter. Criteria: Ambry Variant Classification Scheme 2023. Collection method: clinical testing. Allele origin: germline.

Labcorp Genetics (formerly Invitae), Labcorp
Classification: Uncertain significance for Dilated cardiomyopathy 1J. Last evaluated: 2024-09-24. Review status: criteria provided, single submitter. Criteria: Invitae Variant Classification Sherloc (09022015). Collection method: clinical testing. Allele origin: germline.
Comment: This sequence change replaces aspartic acid, which is acidic and polar, with glutamic acid, which is acidic and polar, at codon 440 of the EYA4 protein (p.Asp440Glu). This variant is not present in population databases (gnomAD no frequency). This variant has not been reported in the literature in individuals affected with EYA4-related conditions. ClinVar contains an entry for this variant (Variation ID: 1374466). Invitae Evidence Modeling of protein sequence and biophysical properties (such as structural, functional, and spatial information, amino acid conservation, physicochemical variation, residue mobility, and thermodynamic stability) indicates that this missense variant is not expected to disrupt EYA4 protein function with a negative predictive value of 80%. In summary, the available evidence is currently insufficient to determine the role of this variant in disease. Therefore, it has been classified as a Variant of Uncertain Significance.